The following is an entry in ClinVar:

ClinVar aggregate classification (germline): Conflicting classifications of pathogenicity. Review status: criteria provided, conflicting classifications (1 of 4 stars). 4 submissions from 4 submitters: Uncertain significance (2); Likely benign (2). Last evaluated 2025-07-31.

Allele frequency attached by ClinVar (database versions not stated): gnomAD exomes 0.00010 and 0.00027; ExAC 0.00026; ESP Exome Variant Server 0.00077; gnomAD 0.00089 and 0.00095; 1000 Genomes Project 30x 0.00094; TOPMed 0.00117; 1000 Genomes Project 0.00120.
gnomAD v4.1: 288 of 1,613,958 alleles (0.018%); highest among the groups gnomAD compares: African/African-American, 0.32%; no homozygotes.

Submissions (4):

Labcorp Genetics (formerly Invitae), Labcorp
Classification: Likely benign. Last evaluated: 2025-07-31. Review status: criteria provided, single submitter. Criteria: Invitae Variant Classification Sherloc (09022015). Collection method: clinical testing. Allele origin: germline.

GeneDx
Classification: Uncertain significance. Last evaluated: 2025-06-14. Review status: criteria provided, single submitter. Criteria: GeneDx Variant Classification Process June 2021. Collection method: clinical testing. Allele origin: germline. Affected: yes.
Comment: Has not been previously published as pathogenic or benign to our knowledge; In silico analysis is inconclusive as to whether the variant alters gene splicing. In the absence of RNA/functional studies, the actual effect of this sequence change is unknown.

Blueprint Genetics
Classification: Uncertain significance. Last evaluated: 2024-01-18. Review status: criteria provided, single submitter. Criteria: ACMG Guidelines, 2015. Collection method: clinical testing. Allele origin: germline.

Laboratory for Molecular Medicine, Mass General Brigham Personalized Medicine
Classification: Likely benign. Last evaluated: 2013-05-31. Review status: criteria provided, single submitter. Criteria: LMM Criteria. Collection method: clinical testing. Allele origin: germline. Observed: 2 variant alleles.
Comment: 585+4A>T in intron 7 of MYO3A: This variant is not expected to have clinical sig nificance of because it has been identified in 0.2% (10/4406) of African America n chromosomes by the NHLBI Exome Sequencing Project and in 1% (3/314) of African chromosomes by the 1000 Genomes Project (dbS NP rs202189844). In addition, this variant, which is located in the 5' splice re gion, is not in the invariant +1/+2 splice site positions and computational tool s do not predict an impact to splicing.

NM_017433.5(MYO3A):c.585+4A>T

Gene: MYO3A (myosin IIIA; plus strand). Cytogenetic location: 10p12.1.
Variant type: single nucleotide variant.
Coding change: c.585+4A>T on transcript NM_017433.5 (MANE Select); 4 bases into the intron after coding-DNA position 585, A replaced by T.
Molecular consequence: intron variant.
Genome position (GRCh38, 1-based): chr10:26,016,900, A>T. VCF-style: chr10-26016900-A-T. GRCh37 (hg19) VCF-style: chr10-26305829-A-T.
Other names: c.585+4A>T (NM_001368265.1).
Identifiers: ClinVar variation 178461 (VCV000178461.21), dbSNP rs202189844, ClinGen allele CA182377.